The following is an entry in ClinVar:

ClinVar aggregate classification (germline): Uncertain significance (1 of 4 stars; one submission).

Allele frequency attached by ClinVar (database versions not stated): gnomAD 0.00001.
gnomAD v4.1: 5 of 1,597,336 alleles (0.00031%); highest among the groups gnomAD compares: Admixed American, 0.0034%; no homozygotes.

Submission:

Labcorp Genetics (formerly Invitae), Labcorp
Classification: Uncertain significance. Last evaluated: 2025-08-12. Review status: criteria provided, single submitter. Criteria: Invitae Variant Classification Sherloc (09022015). Collection method: clinical testing. Allele origin: germline.
Comment: This sequence change replaces leucine, which is neutral and non-polar, with valine, which is neutral and non-polar, at codon 363 of the ZNF408 protein (p.Leu363Val). This variant is present in population databases (no rsID available, gnomAD 0.007%). This variant has not been reported in the literature in individuals affected with ZNF408-related conditions. ClinVar contains an entry for this variant (Variation ID: 1494731). An algorithm developed to predict the effect of missense changes on protein structure and function (PolyPhen-2) suggests that this variant is likely to be disruptive. In summary, the available evidence is currently insufficient to determine the role of this variant in disease. Therefore, it has been classified as a Variant of Uncertain Significance.

NM_024741.3(ZNF408):c.1087C>G (p.Leu363Val)

Gene: ZNF408 (zinc finger protein 408; plus strand). Cytogenetic location: 11p11.2.
Variant type: single nucleotide variant.
Coding change: c.1087C>G on transcript NM_024741.3 (MANE Select); coding-DNA position 1087, C replaced by G.
Protein change: p.Leu363Val; replaces leucine 363 with valine.
Molecular consequence: missense variant.
Genome position (GRCh38, 1-based): chr11:46,704,787, C>G. VCF-style: chr11-46704787-C-G. GRCh37 (hg19) VCF-style: chr11-46726337-C-G.
Other names: c.1063C>G, p.Leu355Val (NM_001184751.2); short protein forms L355V, L363V.
Identifiers: ClinVar variation 1494731 (VCV001494731.6), dbSNP rs746187942, ClinGen allele CA221633207.
Genomic context (GRCh38, chr11:46,704,787, plus strand): 5'-GCAGGAAGCTCCCCAAAGCAGGGGCGACGGTACCGGTGTGGAGAGTGTGGCAAGGCATTC[C>G]TACAGCTGTGCCACCTAAAGAAGCACGCATTTGTGCACACGGGCCACAAGCCCTTTCTTT-3'
Protein context (NP_079017.1, residues 353-373): YRCGECGKAF[Leu363Val]QLCHLKKHAF